The following is an entry in ClinVar:

ClinVar aggregate classification (germline): Uncertain significance (1 of 4 stars; one submission).

Allele frequency attached by ClinVar (database versions not stated): TOPMed 0.00003; gnomAD exomes 0.00006; ExAC 0.00007; gnomAD 0.00007 and 0.00008.

Submission:

Labcorp Genetics (formerly Invitae), Labcorp
Classification: Uncertain significance. Last evaluated: 2026-01-26. Review status: criteria provided, single submitter. Criteria: Invitae Variant Classification Sherloc (09022015). Collection method: clinical testing. Allele origin: germline.
Comment: This sequence change replaces arginine, which is basic and polar, with glutamine, which is neutral and polar, at codon 596 of the SLCO5A1 protein (p.Arg596Gln). This variant is present in population databases (rs748389719, gnomAD 0.01%). This variant has not been reported in the literature in individuals affected with SLCO5A1-related conditions. ClinVar contains an entry for this variant (Variation ID: 1365258). An algorithm developed to predict the effect of missense changes on protein structure and function (PolyPhen-2) suggests that this variant is likely to be tolerated. In summary, the available evidence is currently insufficient to determine the role of this variant in disease. Therefore, it has been classified as a Variant of Uncertain Significance.

NM_030958.3(SLCO5A1):c.1787G>A (p.Arg596Gln)

Gene: SLCO5A1 (solute carrier organic anion transporter family member 5A1; minus strand). Cytogenetic location: 8q13.3.
Variant type: single nucleotide variant.
Coding change: c.1787G>A on transcript NM_030958.3 (MANE Select); coding-DNA position 1787, G replaced by A.
Protein change: p.Arg596Gln; replaces arginine 596 with glutamine.
Molecular consequence: missense variant.
Genome position (GRCh38, 1-based): chr8:69,679,615, C>T on the plus strand (G>A on the coding strand, the complement: SLCO5A1 is on the minus strand). VCF-style: chr8-69679615-C-T. GRCh37 (hg19) VCF-style: chr8-70591850-C-T.
Other names: c.1787G>A, p.Arg596Gln (NM_001146008.2); c.1622G>A, p.Arg541Gln (NM_001146009.1); short protein forms R596Q, R541Q.
Identifiers: ClinVar variation 1365258 (VCV001365258.6), dbSNP rs748389719, ClinGen allele CA4776486.
Genomic context (GRCh38, chr8:69,679,615, plus strand): 5'-CCCACGGTGGGTGGAGTGATCACTTGGCGACTTTGGACACAGGTGCATTCTGTATAATTC[C>T]GTATCTAAGTGAGCAAAATAAAGATGAGTTGTGTGCCCCTCAAAAGCTAACTGTGGCATA-3'
Protein context (NP_112220.2, residues 586-606): VNSGNLSTGI[Arg596Gln]NYTECTCVQS